The following is an entry in ClinVar:

NM_001256545.2(MEGF10):c.2998A>G (p.Arg1000Gly)

Gene: MEGF10 (multiple EGF like domains 10; plus strand). Cytogenetic location: 5q23.2.
Variant type: single nucleotide variant.
Coding change: c.2998A>G on transcript NM_001256545.2 (MANE Select); coding-DNA position 2998, A replaced by G.
Protein change: p.Arg1000Gly; replaces arginine 1000 with glycine.
Molecular consequence: missense variant.
Genome position (GRCh38, 1-based): chr5:127,454,583, A>G. VCF-style: chr5-127454583-A-G. GRCh37 (hg19) VCF-style: chr5-126790275-A-G.
Other names: c.2998A>G, p.Arg1000Gly (NM_032446.3); short protein forms R1000G.
Identifiers: ClinVar variation 2747574 (VCV002747574.3), dbSNP rs1766284145, ClinGen allele CA360715304.

ClinVar aggregate classification (germline): Uncertain significance (1 of 4 stars; one submission).

Conditions:
MEGF10-related myopathy (CMYO10A). Also called: Congenital myopathy 10A, severe variant. Identifiers: Orphanet 439212, MedGen C3280679, MONDO:0013731, OMIM 614399.

Allele frequency attached by ClinVar (database versions not stated): gnomAD exomes below 0.00001; TOPMed below 0.00001; gnomAD 0.00001.
gnomAD v4.1: 2 of 1,609,068 alleles (0.00012%); highest among the groups gnomAD compares: African/African-American, 0.0027%; no homozygotes.

Submission:

Labcorp Genetics (formerly Invitae), Labcorp
Classification: Uncertain significance for MEGF10-related myopathy. Last evaluated: 2023-06-11. Review status: criteria provided, single submitter. Criteria: Invitae Variant Classification Sherloc (09022015). Collection method: clinical testing. Allele origin: germline.
Comment: In summary, the available evidence is currently insufficient to determine the role of this variant in disease. Therefore, it has been classified as a Variant of Uncertain Significance. An algorithm developed to predict the effect of missense changes on protein structure and function (PolyPhen-2) suggests that this variant is likely to be disruptive. This variant has not been reported in the literature in individuals affected with MEGF10-related conditions. This variant is not present in population databases (gnomAD no frequency). This sequence change replaces arginine, which is basic and polar, with glycine, which is neutral and non-polar, at codon 1000 of the MEGF10 protein (p.Arg1000Gly).